The following is an entry in ClinVar:

NM_182914.3(SYNE2):c.19938C>T (p.Thr6646=)

Gene: SYNE2 (spectrin repeat containing nuclear envelope protein 2; plus strand). Cytogenetic location: 14q23.2.
Variant type: single nucleotide variant.
Coding change: c.19938C>T on transcript NM_182914.3 (MANE Select); coding-DNA position 19938, C replaced by T.
Protein change: p.Thr6646=; no amino-acid change (threonine 6646 retained).
Molecular consequence: synonymous variant.
Genome position (GRCh38, 1-based): chr14:64,220,514, C>T. VCF-style: chr14-64220514-C-T. GRCh37 (hg19) VCF-style: chr14-64687232-C-T.
Other names: c.19869C>T, p.Thr6623= (NM_015180.6); c.462C>T, p.Thr154= (NM_182910.2); c.840C>T, p.Thr280= (NM_182913.4).
Identifiers: ClinVar variation 313655 (VCV000313655.9), dbSNP rs765762035, ClinGen allele CA7224640.

ClinVar aggregate classification (germline): Likely benign. Review status: criteria provided, multiple submitters, no conflicts (2 of 4 stars). 2 submissions from 2 submitters: Likely benign (2). Last evaluated 2024-04-30.

Conditions:
Emery-Dreifuss muscular dystrophy 5, autosomal dominant (EDMD5). Also called: EMERY-DREIFUSS MUSCULAR DYSTROPHY 5. Identifiers: Orphanet 261, MedGen C2751805, MONDO:0013072, OMIM 612999.

Allele frequency attached by ClinVar (database versions not stated): ExAC 0.00004; TOPMed 0.00004; gnomAD 0.00005.
gnomAD v4.1: 40 of 1,614,028 alleles (0.0025%); highest among the groups gnomAD compares: African/African-American, 0.0067%; no homozygotes.

Submissions (2):

Labcorp Genetics (formerly Invitae), Labcorp
Classification: Likely benign for Emery-Dreifuss muscular dystrophy 5, autosomal dominant. Last evaluated: 2024-04-30. Review status: criteria provided, single submitter. Criteria: Invitae Variant Classification Sherloc (09022015). Collection method: clinical testing. Allele origin: germline.

Illumina Laboratory Services, Illumina
Classification: Likely benign for Emery-Dreifuss muscular dystrophy 5, autosomal dominant. Last evaluated: 2018-01-13. Review status: criteria provided, single submitter. Criteria: ICSL Variant Classification Criteria 13 December 2019. Collection method: clinical testing. Allele origin: germline.
Comment: This variant was observed in the ICSL laboratory as part of a predisposition screen in an ostensibly healthy population. It had not been previously curated by ICSL or reported in the Human Gene Mutation Database (HGMD: prior to June 1st, 2018), and was therefore a candidate for classification through an automated scoring system. Utilizing variant allele frequency, disease prevalence and penetrance estimates, and inheritance mode, an automated score was calculated to assess if this variant is too frequent to cause the disease. Based on the score and internal cut-off values, a variant classified as likely benign is not then subjected to further curation. The score for this variant resulted in a classification of likely benign for this disease.